The following is an entry in ClinVar:

ClinVar aggregate classification (germline): Uncertain significance (1 of 4 stars; one submission).

Conditions:
Autosomal recessive limb-girdle muscular dystrophy type 2J (LGMDR10). Also called: MUSCULAR DYSTROPHY, LIMB-GIRDLE, AUTOSOMAL RECESSIVE 10; Limb-girdle muscular dystrophy, type 2J. Identifiers: Orphanet 140922, MedGen C1837342, MONDO:0012127, OMIM 608807.
Dilated cardiomyopathy 1G (CMD1G). Identifiers: Orphanet 154, MedGen C1858763, MONDO:0011400, OMIM 604145.

Submission:

Labcorp Genetics (formerly Invitae), Labcorp
Classification: Uncertain significance for Dilated cardiomyopathy 1G; Autosomal recessive limb-girdle muscular dystrophy type 2J. Last evaluated: 2025-05-11. Review status: criteria provided, single submitter. Criteria: Invitae Variant Classification Sherloc (09022015). Collection method: clinical testing. Allele origin: germline.
Comment: This sequence change replaces alanine, which is neutral and non-polar, with asparagine, which is neutral and polar, at codon 34126 of the TTN protein (p.Ala34126Asn). Information on the frequency of this variant in the gnomAD database is not available, as this variant may be reported differently in the database. This variant has not been reported in the literature in individuals affected with TTN-related conditions. Experimental studies and prediction algorithms are not available or were not evaluated, and the functional significance of this variant is currently unknown. This variant is located in the M band of TTN (PMID: 25589632). Non-truncating variants in this region may be relevant for neuromuscular disorders, but have not been definitively shown to cause cardiomyopathy (PMID: 23975875). In summary, the available evidence is currently insufficient to determine the role of this variant in disease. Therefore, it has been classified as a Variant of Uncertain Significance.

Literature cited by the submitters: PubMed 25589632; PubMed 23975875.

NM_001267550.2(TTN):c.102376_102377delinsAA (p.Ala34126Asn)

Genes: TTN-AS1 (TTN antisense RNA 1; plus strand), TTN (titin; minus strand). Cytogenetic location: 2q31.2.
Variant type: Indel.
Coding change: c.102376_102377delinsAA on transcript NM_001267550.2 (MANE Select); coding-DNA positions 102376 to 102377, GC replaced by AA.
Protein change: p.Ala34126Asn; replaces alanine 34126 with asparagine.
Molecular consequence: missense variant.
Genome position (GRCh38, 1-based): chr2:178,534,238-178,534,239, GC replaced by TT on the plus strand (GC replaced by AA on the coding strand, the reverse complement: TTN is on the minus strand). VCF-style: chr2-178534238-GC-TT. GRCh37 (hg19) VCF-style: chr2-179398965-GC-TT.
Other names: c.97453_97454delinsAA, p.Ala32485Asn (NM_001256850.1); c.75181_75182delinsAA, p.Ala25061Asn (NM_003319.4); c.94672_94673delinsAA, p.Ala31558Asn (NM_133378.4); c.75556_75557delinsAA, p.Ala25186Asn (NM_133432.3); c.75757_75758delinsAA, p.Ala25253Asn (NM_133437.4); short protein forms A31558N, A25061N, A25253N, A32485N, A25186N, A34126N.
Identifiers: ClinVar variation 4794710 (VCV004794710.1).